The following is an entry in ClinVar:

ClinVar aggregate classification (germline): Uncertain significance (1 of 4 stars; one submission).

Conditions:
Congenital disorder of deglycosylation (CDDG). Identifiers: MedGen C3808991, MONDO:0031376.

Submission:

Labcorp Genetics (formerly Invitae), Labcorp
Classification: Uncertain significance for Congenital disorder of deglycosylation. Last evaluated: 2024-10-17. Review status: criteria provided, single submitter. Criteria: Invitae Variant Classification Sherloc (09022015). Collection method: clinical testing. Allele origin: germline.
Comment: This sequence change replaces serine, which is neutral and polar, with glycine, which is neutral and non-polar, at codon 131 of the NGLY1 protein (p.Ser131Gly). This variant is not present in population databases (gnomAD no frequency). This variant has not been reported in the literature in individuals affected with NGLY1-related conditions. ClinVar contains an entry for this variant (Variation ID: 1391674). An algorithm developed to predict the effect of missense changes on protein structure and function outputs the following: PolyPhen-2: "Benign". The glycine amino acid residue is found in multiple mammalian species, which suggests that this missense change does not adversely affect protein function. In summary, the available evidence is currently insufficient to determine the role of this variant in disease. Therefore, it has been classified as a Variant of Uncertain Significance.

NM_018297.4(NGLY1):c.391A>G (p.Ser131Gly)

Gene: NGLY1 (N-glycanase 1; minus strand). Cytogenetic location: 3p24.2.
Variant type: single nucleotide variant.
Coding change: c.391A>G on transcript NM_018297.4 (MANE Select); coding-DNA position 391, A replaced by G.
Protein change: p.Ser131Gly; replaces serine 131 with glycine.
Molecular consequence: missense variant.
Genome position (GRCh38, 1-based): chr3:25,764,167, T>C on the plus strand (A>G on the coding strand, the complement: NGLY1 is on the minus strand). VCF-style: chr3-25764167-T-C. GRCh37 (hg19) VCF-style: chr3-25805658-T-C.
Other names: c.391A>G, p.Ser131Gly (NM_001145293.2, NM_001145295.2); c.265A>G, p.Ser89Gly (NM_001145294.2); short protein forms S89G, S131G.
Identifiers: ClinVar variation 1391674 (VCV001391674.8), dbSNP rs2125289409, ClinGen allele CA351908957.